The following is an entry in ClinVar:

NM_018699.4(PRDM5):c.1296C>G (p.Phe432Leu)

Gene: PRDM5 (PR/SET domain 5; minus strand). Cytogenetic location: 4q27.
Variant type: single nucleotide variant.
Coding change: c.1296C>G on transcript NM_018699.4 (MANE Select); coding-DNA position 1296, C replaced by G.
Protein change: p.Phe432Leu; replaces phenylalanine 432 with leucine.
Molecular consequence: missense variant.
Genome position (GRCh38, 1-based): chr4:120,781,290, G>C on the plus strand (C>G on the coding strand, the complement: PRDM5 is on the minus strand). VCF-style: chr4-120781290-G-C. GRCh37 (hg19) VCF-style: chr4-121702445-G-C.
Other names: c.1203C>G, p.Phe401Leu (NM_001300823.2, NM_001300824.2, NM_001379106.1); c.1329C>G, p.Phe443Leu (NM_001379104.1); c.1296C>G (NM_018699.2); short protein forms F443L, F401L, F432L.
Identifiers: ClinVar variation 1477108 (VCV001477108.4), dbSNP rs1266761912, ClinGen allele CA358209248.

ClinVar aggregate classification (germline): Uncertain significance. Review status: criteria provided, multiple submitters, no conflicts (2 of 4 stars). 2 submissions from 2 submitters: Uncertain significance (2). Last evaluated 2025-02-04.

Conditions:
Cardiovascular phenotype. Identifiers: MedGen CN230736.

Allele frequency attached by ClinVar (database versions not stated): gnomAD 0.00002; TOPMed 0.00003.
gnomAD v4.1: 4 of 1,612,832 alleles (0.00025%); highest among the groups gnomAD compares: Admixed American, 0.0033%; no homozygotes.

Submissions (2):

Ambry Genetics
Classification: Uncertain significance for Cardiovascular phenotype. Last evaluated: 2025-02-04. Review status: criteria provided, single submitter. Criteria: Ambry Variant Classification Scheme 2023. Collection method: clinical testing. Allele origin: germline.
Comment: The p.F432L variant (also known as c.1296C>G), located in coding exon 12 of the PRDM5 gene, results from a C to G substitution at nucleotide position 1296. The phenylalanine at codon 432 is replaced by leucine, an amino acid with highly similar properties. This amino acid position is highly conserved in available vertebrate species. In addition, the in silico prediction for this alteration is inconclusive. Based on the available evidence, the clinical significance of this variant remains unclear.

Labcorp Genetics (formerly Invitae), Labcorp
Classification: Uncertain significance. Last evaluated: 2021-11-13. Review status: criteria provided, single submitter. Criteria: Invitae Variant Classification Sherloc (09022015). Collection method: clinical testing. Allele origin: germline.
Comment: This sequence change replaces phenylalanine, which is neutral and non-polar, with leucine, which is neutral and non-polar, at codon 432 of the PRDM5 protein (p.Phe432Leu). This variant is not present in population databases (gnomAD no frequency). This variant has not been reported in the literature in individuals affected with PRDM5-related conditions. Algorithms developed to predict the effect of missense changes on protein structure and function are either unavailable or do not agree on the potential impact of this missense change (SIFT: "Deleterious"; PolyPhen-2: "Probably Damaging"; Align-GVGD: "Class C15"). In summary, the available evidence is currently insufficient to determine the role of this variant in disease. Therefore, it has been classified as a Variant of Uncertain Significance.